The following is an entry in ClinVar:

NM_001101426.4(CRPPA):c.7G>C (p.Ala3Pro)

Genes: CRPPA (CDP-L-ribitol pyrophosphorylase A; minus strand), LOC129998005 (ATAC-STARR-seq lymphoblastoid silent region 17982; plus strand). Cytogenetic location: 7p21.2.
Variant type: single nucleotide variant.
Coding change: c.7G>C on transcript NM_001101426.4 (MANE Select); coding-DNA position 7, G replaced by C.
Protein change: p.Ala3Pro; replaces alanine 3 with proline.
Molecular consequence: missense variant. On other transcripts: non-coding transcript variant (1).
Genome position (GRCh38, 1-based): chr7:16,421,316, C>G on the plus strand (G>C on the coding strand, the complement: CRPPA is on the minus strand). VCF-style: chr7-16421316-C-G. GRCh37 (hg19) VCF-style: chr7-16460941-C-G.
Other names: c.7G>C, p.Ala3Pro (NM_001101417.4, NM_001368197.1); c.7G>C (NM_001101426.3); short protein forms A3P.
Identifiers: ClinVar variation 594114 (VCV000594114.12), dbSNP rs794726893, ClinGen allele CA367004609.
Genomic context (GRCh38, chr7:16,421,316, plus strand): 5'-CGCGCTGACCACTCAGGCAAGGACCCGGCTCCGCCGGCCTGGCGCTGCCCGGCGGCCCGG[C>G]CTCCATGGCTGCGGGCGGAACGGCGAGCCCCGCTAGCCTCGGGCCGATGCGACCCCGCGC-3'
Protein context (NP_001094896.1, residues 1-13): ME[Ala3Pro]GPPGSARPAE

ClinVar aggregate classification (germline): Conflicting classifications of pathogenicity. Review status: criteria provided, conflicting classifications (1 of 4 stars). 3 submissions from 3 submitters: Uncertain significance (2); Likely benign (1). Last evaluated 2025-08-10.

Conditions:
Muscular dystrophy-dystroglycanopathy (congenital with brain and eye anomalies), type A, 7. Also called: WALKER-WARBURG SYNDROME OR MUSCLE-EYE-BRAIN DISEASE, ISPD-RELATED; Congenital muscular dystrophy-dystroglycanopathy with brain and eye anomalies, type A7. Identifiers: Orphanet 899, MedGen C3553330, MONDO:0013835, OMIM 614643.
Autosomal recessive limb-girdle muscular dystrophy type 2U. Also called: Muscular dystrophy-dystroglycanopathy (limb-girdle), type c, 7; MUSCULAR DYSTROPHY, LIMB-GIRDLE, TYPE 2U. Identifiers: Orphanet 352479, MedGen C5190987, MONDO:0014474, OMIM 616052.

Allele frequency attached by ClinVar (database versions not stated): gnomAD 0.00001; TOPMed 0.00001.
gnomAD v4.1: 7 of 1,254,670 alleles (0.00056%); highest among the groups gnomAD compares: Middle Eastern, 0.092%; no homozygotes.

Submissions (3):

Ambry Genetics
Classification: Likely benign. Last evaluated: 2025-08-10. Review status: criteria provided, single submitter. Criteria: Ambry Variant Classification Scheme 2023. Collection method: clinical testing. Allele origin: germline.

Labcorp Genetics (formerly Invitae), Labcorp
Classification: Uncertain significance for Muscular dystrophy-dystroglycanopathy (congenital with brain and eye anomalies), type A, 7; Autosomal recessive limb-girdle muscular dystrophy type 2U. Last evaluated: 2022-05-31. Review status: criteria provided, single submitter. Criteria: Invitae Variant Classification Sherloc (09022015). Collection method: clinical testing. Allele origin: germline.
Comment: This variant has not been reported in the literature in individuals affected with ISPD-related conditions. In summary, the available evidence is currently insufficient to determine the role of this variant in disease. Therefore, it has been classified as a Variant of Uncertain Significance. Algorithms developed to predict the effect of missense changes on protein structure and function output the following: SIFT: "Tolerated"; PolyPhen-2: "Benign"; Align-GVGD: "Class C0". The proline amino acid residue is found in multiple mammalian species, which suggests that this missense change does not adversely affect protein function. ClinVar contains an entry for this variant (Variation ID: 594114). This variant is not present in population databases (gnomAD no frequency). This sequence change replaces alanine, which is neutral and non-polar, with proline, which is neutral and non-polar, at codon 3 of the ISPD protein (p.Ala3Pro).

Eurofins Ntd Llc (ga)
Classification: Uncertain significance. Last evaluated: 2017-09-19. Review status: criteria provided, single submitter. Criteria: EGL Classification Definitions 2015. Collection method: clinical testing. Allele origin: germline. Observed: 1 variant allele, 1 heterozygote.